The following is an entry in ClinVar:

NM_015910.7(WDPCP):c.314A>G (p.Lys105Arg)

Gene: WDPCP (WD repeat containing planar cell polarity effector; minus strand). Cytogenetic location: 2p15.
Variant type: single nucleotide variant.
Coding change: c.314A>G on transcript NM_015910.7 (MANE Select); coding-DNA position 314, A replaced by G.
Protein change: p.Lys105Arg; replaces lysine 105 with arginine.
Molecular consequence: missense variant. On other transcripts: non-coding transcript variant (2).
Genome position (GRCh38, 1-based): chr2:63,484,927, T>C on the plus strand (A>G on the coding strand, the complement: WDPCP is on the minus strand). VCF-style: chr2-63484927-T-C. GRCh37 (hg19) VCF-style: chr2-63712061-T-C.
Other names: c.242A>G, p.Lys81Arg (NM_001354044.2); c.314A>G, p.Lys105Arg (NM_001354045.2); short protein forms K105R, K81R.
Identifiers: ClinVar variation 3036978 (VCV003036978.2), dbSNP rs1335849245, ClinGen allele CA347065933.

ClinVar aggregate classification (germline): Uncertain significance (0 of 4 stars; one submission).

Conditions:
WDPCP-related disorder. Also called: WDPCP-related condition.

Allele frequency attached by ClinVar (database versions not stated): gnomAD 0.00001; gnomAD exomes 0.00001.
gnomAD v4.1: 18 of 1,612,442 alleles (0.0011%); highest among the groups gnomAD compares: Non-Finnish European, 0.0014%; no homozygotes.

Submission:

PreventionGenetics, part of Exact Sciences
Classification: Uncertain significance for WDPCP-related condition. Last evaluated: 2024-04-23. Review status: no assertion criteria provided. Collection method: clinical testing. Allele origin: germline.
Comment: The WDPCP c.314A>G variant is predicted to result in the amino acid substitution p.Lys105Arg. To our knowledge, this variant has not been reported in the literature. This variant is reported in 0.00089% of alleles in individuals of European (Non-Finnish) descent in gnomAD. At this time, the clinical significance of this variant is uncertain due to the absence of conclusive functional and genetic evidence.